The following is an entry in ClinVar:

NM_031407.7(HUWE1):c.4814A>T (p.Gln1605Leu)

Gene: HUWE1 (HECT, UBA and WWE domain containing E3 ubiquitin protein ligase 1; minus strand). Cytogenetic location: Xp11.22.
Variant type: single nucleotide variant.
Coding change: c.4814A>T on transcript NM_031407.7 (MANE Select); coding-DNA position 4814, A replaced by T.
Protein change: p.Gln1605Leu; replaces glutamine 1605 with leucine.
Molecular consequence: missense variant.
Genome position (GRCh38, 1-based): chrX:53,586,500, T>A on the plus strand (A>T on the coding strand, the complement: HUWE1 is on the minus strand). VCF-style: chrX-53586500-T-A. GRCh37 (hg19) VCF-style: chrX-53613460-T-A.
Other names: c.4814A>T, p.Gln1605Leu (NM_001441049.1, NM_001441051.1, NM_001441052.1 and 6 more transcripts); c.4835A>T, p.Gln1612Leu (NM_001441050.1, NM_001441055.1); short protein forms Q1605L, Q1612L.
Identifiers: ClinVar variation 4532657 (VCV004532657.1).

ClinVar aggregate classification (germline): Uncertain significance (1 of 4 stars; one submission).

Submission:

GeneDx
Classification: Uncertain significance. Last evaluated: 2025-06-01. Review status: criteria provided, single submitter. Criteria: GeneDx Variant Classification Process June 2021. Collection method: clinical testing. Allele origin: germline. Affected: yes.
Comment: Not observed at significant frequency in large population cohorts (gnomAD); In silico analysis suggests that this missense variant does not alter protein structure/function; Has not been previously published as pathogenic or benign to our knowledge